The following is an entry in ClinVar:

ClinVar aggregate classification (germline): Uncertain significance. Review status: criteria provided, multiple submitters, no conflicts (2 of 4 stars). 4 submissions from 4 submitters: Uncertain significance (4). Last evaluated 2026-01-13.

Conditions:
Arrhythmogenic right ventricular dysplasia 9 (ARVD9). Also called: Arrhythmogenic Right Ventricular Dysplasia/Cardiomyopathy 9; ARRHYTHMOGENIC RIGHT VENTRICULAR DYSPLASIA, FAMILIAL, 9. Identifiers: MedGen C1836906, MONDO:0012180, OMIM 609040.
Cardiomyopathy (CMYO). Also called: Cardiomyopathies. Identifiers: Orphanet 167848, MedGen C0878544, MONDO:0004994, HP:0001638. Inheritance: Various modes of inheritance.
PKP2-related disorder. Also called: PKP2-related condition.

Allele frequency attached by ClinVar (database versions not stated): gnomAD exomes below 0.00001; gnomAD 0.00001; TOPMed 0.00001.

Submissions (4):

PreventionGenetics, part of Exact Sciences
Classification: Uncertain significance for PKP2-related condition. Last evaluated: 2026-01-13. Review status: criteria provided, single submitter. Criteria: ACMG Guidelines, 2015. Collection method: clinical testing. Allele origin: germline.
Comment: The PKP2 c.1432G>A variant is predicted to result in the amino acid substitution p.Ala478Thr. To our knowledge, this variant has not been reported in the literature. This variant is reported in 0.00091% of alleles in individuals of European (Non-Finnish) descent in gnomAD. At this time, the clinical significance of this variant is uncertain due to the absence of conclusive functional and genetic evidence.

Labcorp Genetics (formerly Invitae), Labcorp
Classification: Uncertain significance for Arrhythmogenic right ventricular dysplasia 9. Last evaluated: 2025-09-13. Review status: criteria provided, single submitter. Criteria: Invitae Variant Classification Sherloc (09022015). Collection method: clinical testing. Allele origin: germline.
Comment: This sequence change replaces alanine, which is neutral and non-polar, with threonine, which is neutral and polar, at codon 478 of the PKP2 protein (p.Ala478Thr). The frequency data for this variant in the population databases is considered unreliable, as metrics indicate poor data quality at this position in the gnomAD database. This variant has not been reported in the literature in individuals affected with PKP2-related conditions. ClinVar contains an entry for this variant (Variation ID: 1984433). An algorithm developed to predict the effect of missense changes on protein structure and function outputs the following: PolyPhen-2: "Benign". The threonine amino acid residue is found in multiple mammalian species, which suggests that this missense change does not adversely affect protein function. In summary, the available evidence is currently insufficient to determine the role of this variant in disease. Therefore, it has been classified as a Variant of Uncertain Significance.

Color Diagnostics, LLC DBA Color Health
Classification: Uncertain significance for Cardiomyopathy. Last evaluated: 2022-11-06. Review status: criteria provided, single submitter. Criteria: ACMG Guidelines, 2015. Collection method: clinical testing. Allele origin: germline.
Comment: This missense variant replaces alanine with threonine at codon 478 of the PKP2 protein. Computational prediction suggests that this variant may not impact protein structure and function (internally defined REVEL score threshold <= 0.5, PMID: 27666373). To our knowledge, functional studies have not been reported for this variant. This variant has not been reported in individuals affected with PKP2-related disorders in the literature. This variant has been identified in 1/241808 chromosomes in the general population by the Genome Aggregation Database (gnomAD). The available evidence is insufficient to determine the role of this variant in disease conclusively. Therefore, this variant is classified as a Variant of Uncertain Significance.

Breakthrough Genomics
Classification: Uncertain significance. Review status: criteria provided, single submitter. Criteria: ACMG Guidelines, 2015. Collection method: not provided. Allele origin: germline. Inheritance: Autosomal dominant inheritance. Affected: yes.

NM_001005242.3(PKP2):c.1379-2055G>A

Gene: PKP2 (plakophilin 2; minus strand). Cytogenetic location: 12p11.21.
Variant type: single nucleotide variant.
Coding change: c.1379-2055G>A on transcript NM_001005242.3 (MANE Select); 2055 bases into the intron before coding-DNA position 1379, G replaced by A.
Molecular consequence: intron variant. On other transcripts: missense variant (1).
Genome position (GRCh38, 1-based): chr12:32,843,260, C>T on the plus strand (G>A on the coding strand, the complement: PKP2 is on the minus strand). VCF-style: chr12-32843260-C-T. GRCh37 (hg19) VCF-style: chr12-32996194-C-T.
Other names: c.1432G>A (NM_004572.3); c.1432G>A, p.Ala478Thr (NM_004572.4); short protein forms A478T.
Identifiers: ClinVar variation 1984433 (VCV001984433.8), dbSNP rs920363668, ClinGen allele CA235250545.